The following is an entry in ClinVar:

ClinVar aggregate classification (germline): Uncertain significance. Review status: criteria provided, multiple submitters, no conflicts (2 of 4 stars). 5 submissions from 5 submitters: Uncertain significance (5). Last evaluated 2024-06-07.

Conditions:
Early-onset myopathy with fatal cardiomyopathy (CMYO5). Also called: Salih Myopathy; CONGENITAL MYOPATHY 5 WITH CARDIOMYOPATHY. Identifiers: Orphanet 289377, MedGen C2673677, MONDO:0012714, OMIM 611705. Disease mechanism: loss of function.
Hypertrophic cardiomyopathy 9. Also called: Familial hypertrophic cardiomyopathy 9. Identifiers: MedGen C1861065, MONDO:0013412, OMIM 613765.
Myopathy, myofibrillar, 9, with early respiratory failure (MFM9). Also called: Myopathy, distal, with early respiratory failure, autosomal dominant; Hereditary myopathy with early respiratory failure; EDSTROM MYOPATHY; MYOPATHY, PROXIMAL, WITH EARLY RESPIRATORY MUSCLE INVOLVEMENT. Identifiers: Orphanet 178464, Orphanet 34521, MedGen C1863599, MONDO:0011362, OMIM 603689.
Tibial muscular dystrophy (TMD). Also called: UDD MYOPATHY; Tibial muscular dystrophy, tardive; Udd Distal Myopathy – Tibial Muscular Dystrophy. Identifiers: Orphanet 609, MedGen C1838244, MONDO:0010870, OMIM 600334.
Autosomal recessive limb-girdle muscular dystrophy type 2J (LGMDR10). Also called: MUSCULAR DYSTROPHY, LIMB-GIRDLE, AUTOSOMAL RECESSIVE 10; Limb-girdle muscular dystrophy, type 2J. Identifiers: Orphanet 140922, MedGen C1837342, MONDO:0012127, OMIM 608807.
Dilated cardiomyopathy 1G (CMD1G). Identifiers: Orphanet 154, MedGen C1858763, MONDO:0011400, OMIM 604145.

Allele frequency attached by ClinVar (database versions not stated): gnomAD exomes 0.00002 and 0.00006; TOPMed 0.00002; ExAC 0.00003; gnomAD 0.00003 and 0.00004.
gnomAD v4.1: 84 of 1,611,986 alleles (0.0052%); highest among the groups gnomAD compares: Non-Finnish European, 0.0069%; no homozygotes.

Submissions (5):

Fulgent Genetics
Classification: Uncertain significance for Tibial muscular dystrophy; Myopathy, myofibrillar, 9, with early respiratory failure; Dilated cardiomyopathy 1G; Autosomal recessive limb-girdle muscular dystrophy type 2J; Early-onset myopathy with fatal cardiomyopathy; Hypertrophic cardiomyopathy 9. Last evaluated: 2024-06-07. Review status: criteria provided, single submitter. Criteria: ACMG Guidelines, 2015. Collection method: clinical testing. Allele origin: germline.

CeGaT Center for Human Genetics Tuebingen
Classification: Uncertain significance. Last evaluated: 2022-07-01. Review status: criteria provided, single submitter. Criteria: CeGaT Center For Human Genetics Tuebingen Variant Classification Criteria Version 2. Collection method: clinical testing. Allele origin: germline. Affected: yes. Observed: 1 variant allele.
Comment: TTN: PM2

Revvity Omics, Revvity
Classification: Uncertain significance. Last evaluated: 2021-12-17. Review status: criteria provided, single submitter. Criteria: ACMG Guidelines, 2015. Collection method: clinical testing. Allele origin: germline.

ARUP Laboratories, Molecular Genetics and Genomics, ARUP Laboratories
Classification: Uncertain significance. Last evaluated: 2020-04-22. Review status: criteria provided, single submitter. Criteria: ARUP Molecular Germline Variant Investigation Process. Collection method: clinical testing. Allele origin: germline.
Comment: The TTN c.78929C>T; p.Pro26310Leu variant (rs754702040; ClinVar Variation ID: 290460) is rare in the general population (<1% allele frequency in the Genome Aggregation Database) and has not been reported in the medical literature in association with dilated cardiomyopathy (DCM) or other TTN-related disease. The clinical relevance of rare missense variants in this gene, which are identified on average once per individual sequenced in affected populations (Herman 2012), is not well understood. Yet, evidence suggests that the vast majority of such missense variants do not contribute to the clinical outcome of DCM (Begay 2015). Thus, the clinical significance of the p.Pro26310Leu variant cannot be determined with certainty.

Eurofins Ntd Llc (ga)
Classification: Uncertain significance. Last evaluated: 2018-01-25. Review status: criteria provided, single submitter. Criteria: EGL Classification Definitions 2015. Collection method: clinical testing. Allele origin: germline. Observed: 3 variant alleles, 3 heterozygotes.

NM_001267550.2(TTN):c.78929C>T (p.Pro26310Leu)

Genes: TTN (titin; minus strand), TTN-AS1 (TTN antisense RNA 1; plus strand). Cytogenetic location: 2q31.2.
Variant type: single nucleotide variant.
Coding change: c.78929C>T on transcript NM_001267550.2 (MANE Select); coding-DNA position 78929, C replaced by T.
Protein change: p.Pro26310Leu; replaces proline 26310 with leucine.
Molecular consequence: missense variant.
Genome position (GRCh38, 1-based): chr2:178,567,203, G>A on the plus strand (C>T on the coding strand, the complement: TTN is on the minus strand). VCF-style: chr2-178567203-G-A. GRCh37 (hg19) VCF-style: chr2-179431930-G-A.
Other names: c.74006C>T, p.Pro24669Leu (NM_001256850.1); c.51734C>T, p.Pro17245Leu (NM_003319.4); c.71225C>T, p.Pro23742Leu (NM_133378.4); c.52109C>T, p.Pro17370Leu (NM_133432.3); c.52310C>T, p.Pro17437Leu (NM_133437.4); short protein forms P23742L, P26310L, P24669L, P17245L, P17370L, P17437L.
Identifiers: ClinVar variation 290460 (VCV000290460.39), dbSNP rs754702040, ClinGen allele CA1989549.